The following is an entry in ClinVar:

ClinVar aggregate classification (germline): Uncertain significance (1 of 4 stars; one submission).

Conditions:
Hepatic methionine adenosyltransferase deficiency. Also called: Deficiency of methionine adenosyltransferase; Isolated Persistent Hypermethioninemia; Methionine adenosyltransferase deficiency; MAT I/III DEFICIENCY. Identifiers: Orphanet 168598, MedGen C0268621, MeSH C564683, MONDO:0009607, OMIM 250850.

Submission:

Labcorp Genetics (formerly Invitae), Labcorp
Classification: Uncertain significance for Hepatic methionine adenosyltransferase deficiency. Last evaluated: 2023-10-31. Review status: criteria provided, single submitter. Criteria: Invitae Variant Classification Sherloc (09022015). Collection method: clinical testing. Allele origin: germline.
Comment: This sequence change replaces glutamic acid, which is acidic and polar, with glutamine, which is neutral and polar, at codon 23 of the MAT1A protein (p.Glu23Gln). This variant is not present in population databases (gnomAD no frequency). This variant has not been reported in the literature in individuals affected with MAT1A-related conditions. Advanced modeling of protein sequence and biophysical properties (such as structural, functional, and spatial information, amino acid conservation, physicochemical variation, residue mobility, and thermodynamic stability) performed at Invitae indicates that this missense variant is expected to disrupt MAT1A protein function with a positive predictive value of 80%. In summary, the available evidence is currently insufficient to determine the role of this variant in disease. Therefore, it has been classified as a Variant of Uncertain Significance.

NM_000429.3(MAT1A):c.67G>C (p.Glu23Gln)

Gene: MAT1A (methionine adenosyltransferase 1A; minus strand). Cytogenetic location: 10q22.3.
Variant type: single nucleotide variant.
Coding change: c.67G>C on transcript NM_000429.3 (MANE Select); coding-DNA position 67, G replaced by C.
Protein change: p.Glu23Gln; replaces glutamic acid 23 with glutamine.
Molecular consequence: missense variant.
Genome position (GRCh38, 1-based): chr10:80,289,357, C>G on the plus strand (G>C on the coding strand, the complement: MAT1A is on the minus strand). VCF-style: chr10-80289357-C-G. GRCh37 (hg19) VCF-style: chr10-82049113-C-G.
Other names: short protein forms E23Q.
Identifiers: ClinVar variation 2773101 (VCV002773101.3), dbSNP rs2492512338, ClinGen allele CA377364907.